The following is an entry in ClinVar:

ClinVar aggregate classification (germline): Uncertain significance. Review status: criteria provided, multiple submitters, no conflicts (2 of 4 stars). 2 submissions from 2 submitters: Uncertain significance (2). Last evaluated 2024-08-12.

Conditions:
Hereditary cancer-predisposing syndrome. Also called: Neoplastic Syndromes, Hereditary; Tumor predisposition; Hereditary Cancer Syndrome; Hereditary neoplastic syndrome. Identifiers: Orphanet 140162, MedGen C0027672, MeSH D009386, MONDO:0015356.
Renal cell carcinoma. Identifiers: Orphanet 217071, MedGen C0007134, MeSH D002292, MONDO:0005086, HP:0005584.

Submissions (2):

Labcorp Genetics (formerly Invitae), Labcorp
Classification: Uncertain significance for Renal cell carcinoma. Last evaluated: 2024-08-12. Review status: criteria provided, single submitter. Criteria: Invitae Variant Classification Sherloc (09022015). Collection method: clinical testing. Allele origin: germline.
Comment: This sequence change replaces isoleucine, which is neutral and non-polar, with serine, which is neutral and polar, at codon 1123 of the MET protein (p.Ile1123Ser). This variant is not present in population databases (gnomAD no frequency). This variant has not been reported in the literature in individuals affected with MET-related conditions. ClinVar contains an entry for this variant (Variation ID: 1730681). Advanced modeling of protein sequence and biophysical properties (such as structural, functional, and spatial information, amino acid conservation, physicochemical variation, residue mobility, and thermodynamic stability) performed at Invitae indicates that this missense variant is not expected to disrupt MET protein function with a negative predictive value of 80%. In summary, the available evidence is currently insufficient to determine the role of this variant in disease. Therefore, it has been classified as a Variant of Uncertain Significance.

Ambry Genetics
Classification: Uncertain significance for Hereditary cancer-predisposing syndrome. Last evaluated: 2021-11-15. Review status: criteria provided, single submitter. Criteria: Ambry Variant Classification Scheme 2023. Collection method: clinical testing. Allele origin: germline.
Comment: The p.I1123S variant (also known as c.3368T>G), located in coding exon 15 of the MET gene, results from a T to G substitution at nucleotide position 3368. The isoleucine at codon 1123 is replaced by serine, an amino acid with dissimilar properties. This amino acid position is well conserved in available vertebrate species. In addition, the in silico prediction for this alteration is inconclusive. Since supporting evidence is limited at this time, the clinical significance of this alteration remains unclear.

NM_000245.4(MET):c.3314T>G (p.Ile1105Ser)

Gene: MET (MET proto-oncogene, receptor tyrosine kinase; plus strand). Cytogenetic location: 7q31.2.
Variant type: single nucleotide variant.
Coding change: c.3314T>G on transcript NM_000245.4 (MANE Select); coding-DNA position 3314, T replaced by G.
Protein change: p.Ile1105Ser; replaces isoleucine 1105 with serine.
Molecular consequence: missense variant.
Genome position (GRCh38, 1-based): chr7:116,777,443, T>G. VCF-style: chr7-116777443-T-G. GRCh37 (hg19) VCF-style: chr7-116417497-T-G.
Other names: c.3368T>G, p.Ile1123Ser (NM_001127500.3); c.2024T>G, p.Ile675Ser (NM_001324402.2); short protein forms I675S, I1105S, I1123S.
Identifiers: ClinVar variation 1730681 (VCV001730681.7), dbSNP rs1562933004, ClinGen allele CA368989786.